The following is an entry in ClinVar:

ClinVar aggregate classification (germline): Uncertain significance (1 of 4 stars; one submission).

Submission:

GeneDx
Classification: Uncertain significance. Last evaluated: 2024-11-18. Review status: criteria provided, single submitter. Criteria: GeneDx Variant Classification Process June 2021. Collection method: clinical testing. Allele origin: germline. Affected: yes.
Comment: Not observed at significant frequency in large population cohorts (gnomAD); In silico analysis supports that this missense variant has a deleterious effect on protein structure/function; Has not been previously published as pathogenic or benign to our knowledge

NM_004606.5(TAF1):c.2254C>G (p.Pro752Ala)

Gene: TAF1 (TATA-box binding protein associated factor 1; plus strand). Cytogenetic location: Xq13.1.
Variant type: single nucleotide variant.
Coding change: c.2254C>G on transcript NM_004606.5 (MANE Select); coding-DNA position 2254, C replaced by G.
Protein change: p.Pro752Ala; replaces proline 752 with alanine.
Molecular consequence: missense variant. On other transcripts: non-coding transcript variant (9).
Genome position (GRCh38, 1-based): chrX:71,387,288, C>G. VCF-style: chrX-71387288-C-G. GRCh37 (hg19) VCF-style: chrX-70607138-C-G.
Other names: c.2254C>G, p.Pro752Ala (NM_001286074.2); c.2191C>G, p.Pro731Ala (NM_138923.4); short protein forms P731A, P752A.
Identifiers: ClinVar variation 3899818 (VCV003899818.1).